The following is an entry in ClinVar:

ClinVar aggregate classification (germline): Likely pathogenic (1 of 4 stars; one submission).

Conditions:
Neuronal ceroid lipofuscinosis. Also called: Neuronal Ceroid Lipofuscinoses. Identifiers: Orphanet 216, Orphanet 79263, MedGen C0027877, MONDO:0016295. Disease mechanism: loss of function.

Submission:

Labcorp Genetics (formerly Invitae), Labcorp
Classification: Likely pathogenic for Neuronal ceroid lipofuscinosis. Last evaluated: 2025-07-29. Review status: criteria provided, single submitter. Criteria: Invitae Variant Classification Sherloc (09022015). Collection method: clinical testing. Allele origin: germline.
Comment: This sequence change affects a donor splice site in intron 2 of the CLN5 gene. It is expected to disrupt RNA splicing. Variants that disrupt the donor or acceptor splice site typically lead to a loss of protein function (PMID: 16199547), and loss-of-function variants in CLN5 are known to be pathogenic (PMID: 20157158). This variant is not present in population databases (gnomAD no frequency). This variant has not been reported in the literature in individuals affected with CLN5-related conditions. Algorithms developed to predict the effect of sequence changes on RNA splicing suggest that this variant may disrupt the consensus splice site. In summary, the currently available evidence indicates that the variant is pathogenic, but additional data are needed to prove that conclusively. Therefore, this variant has been classified as Likely Pathogenic.

Literature cited by the submitters: PubMed 16199547; PubMed 20157158.

NM_006493.4(CLN5):c.339+2T>G

Gene: CLN5 (CLN5 lysosomal BMP synthase; plus strand). Cytogenetic location: 13q22.3.
Variant type: single nucleotide variant.
Coding change: c.339+2T>G on transcript NM_006493.4 (MANE Select); the canonical splice donor site of the intron after coding-DNA position 339, T replaced by G.
Molecular consequence: splice donor variant.
Genome position (GRCh38, 1-based): chr13:76,995,230, T>G. VCF-style: chr13-76995230-T-G. GRCh37 (hg19) VCF-style: chr13-77569365-T-G.
Other names: c.339+2T>G (NM_001366624.2).
Identifiers: ClinVar variation 4724288 (VCV004724288.1).